The following is an entry in ClinVar:

NM_003640.5(ELP1):c.3136G>T (p.Val1046Leu)

Gene: ELP1 (elongator acetyltransferase complex subunit 1; minus strand). Cytogenetic location: 9q31.3.
Variant type: single nucleotide variant.
Coding change: c.3136G>T on transcript NM_003640.5 (MANE Select); coding-DNA position 3136, G replaced by T.
Protein change: p.Val1046Leu; replaces valine 1046 with leucine.
Molecular consequence: missense variant.
Genome position (GRCh38, 1-based): chr9:108,891,227, C>A on the plus strand (G>T on the coding strand, the complement: ELP1 is on the minus strand). VCF-style: chr9-108891227-C-A. GRCh37 (hg19) VCF-style: chr9-111653507-C-A.
Other names: c.2794G>T, p.Val932Leu (NM_001318360.2); c.2089G>T, p.Val697Leu (NM_001330749.2); short protein forms V932L, V1046L, V697L.
Identifiers: ClinVar variation 2908766 (VCV002908766.3), dbSNP rs1331635473, ClinGen allele CA374416177.

ClinVar aggregate classification (germline): Uncertain significance (1 of 4 stars; one submission).

Allele frequency attached by ClinVar (database versions not stated): gnomAD 0.00001; gnomAD exomes 0.00001.
gnomAD v4.1: 6 of 1,614,214 alleles (0.00037%); highest among the groups gnomAD compares: East Asian, 0.011%; no homozygotes.

Submission:

Labcorp Genetics (formerly Invitae), Labcorp
Classification: Uncertain significance. Last evaluated: 2025-07-07. Review status: criteria provided, single submitter. Criteria: Invitae Variant Classification Sherloc (09022015). Collection method: clinical testing. Allele origin: germline.
Comment: This sequence change replaces valine, which is neutral and non-polar, with leucine, which is neutral and non-polar, at codon 1046 of the ELP1 protein (p.Val1046Leu). This variant is present in population databases (no rsID available, gnomAD 0.006%). This variant has not been reported in the literature in individuals affected with ELP1-related conditions. ClinVar contains an entry for this variant (Variation ID: 2908766). Invitae Evidence Modeling of protein sequence and biophysical properties (such as structural, functional, and spatial information, amino acid conservation, physicochemical variation, residue mobility, and thermodynamic stability) indicates that this missense variant is not expected to disrupt ELP1 protein function with a negative predictive value of 80%. In summary, the available evidence is currently insufficient to determine the role of this variant in disease. Therefore, it has been classified as a Variant of Uncertain Significance.